The following is an entry in ClinVar:

ClinVar aggregate classification (germline): Uncertain significance (0 of 4 stars; one submission).

Conditions:
PCNT-related disorder. Also called: PCNT-related condition.

gnomAD v4.1: 11 of 1,613,798 alleles (0.00068%); highest among the groups gnomAD compares: South Asian, 0.0011%; no homozygotes.

Submission:

PreventionGenetics, part of Exact Sciences
Classification: Uncertain significance for PCNT-related condition. Last evaluated: 2024-08-27. Review status: no assertion criteria provided. Collection method: clinical testing. Allele origin: germline.
Comment: The PCNT c.3614C>T variant is predicted to result in the amino acid substitution p.Ala1205Val. To our knowledge, this variant has not been reported in the literature. This variant is reported in 0.0033% of alleles in individuals of South Asian descent in gnomAD. At this time, the clinical significance of this variant is uncertain due to the absence of conclusive functional and genetic evidence.

NM_006031.6(PCNT):c.3614C>T (p.Ala1205Val)

Gene: PCNT (pericentrin; plus strand). Cytogenetic location: 21q22.3.
Variant type: single nucleotide variant.
Coding change: c.3614C>T on transcript NM_006031.6 (MANE Select); coding-DNA position 3614, C replaced by T.
Protein change: p.Ala1205Val; replaces alanine 1205 with valine.
Molecular consequence: missense variant.
Genome position (GRCh38, 1-based): chr21:46,389,205, C>T. VCF-style: chr21-46389205-C-T. GRCh37 (hg19) VCF-style: chr21-47809120-C-T.
Other names: c.3260C>T, p.Ala1087Val (NM_001315529.2); short protein forms A1087V, A1205V.
Identifiers: ClinVar variation 3351037 (VCV003351037.1).